The following is an entry in ClinVar:

NM_003202.5(TCF7):c.402C>T (p.Pro134=)

Gene: TCF7 (transcription factor 7; plus strand). Cytogenetic location: 5q31.1.
Variant type: single nucleotide variant.
Coding change: c.402C>T on transcript NM_003202.5 (MANE Select); coding-DNA position 402, C replaced by T.
Protein change: p.Pro134=; no amino-acid change (proline 134 retained).
Molecular consequence: synonymous variant. On other transcripts: non-coding transcript variant (1).
Genome position (GRCh38, 1-based): chr5:134,115,994, C>T. VCF-style: chr5-134115994-C-T. GRCh37 (hg19) VCF-style: chr5-133451685-C-T.
Other names: c.57C>T, p.Pro19= (NM_201634.5, NM_213648.5, NM_001134851.4 and 3 more transcripts); c.402C>T, p.Pro134= (NM_001346425.2).
Identifiers: ClinVar variation 2655706 (VCV002655706.24), dbSNP rs372168965, ClinGen allele CA3411980.

ClinVar aggregate classification (germline): Likely benign (1 of 4 stars; one submission).

Allele frequency attached by ClinVar (database versions not stated): gnomAD 0.00003; TOPMed 0.00003.
gnomAD v4.1: 45 of 1,613,602 alleles (0.0028%); highest among the groups gnomAD compares: African/African-American, 0.015%; no homozygotes.

Submission:

CeGaT Center for Human Genetics Tuebingen
Classification: Likely benign. Last evaluated: 2023-03-01. Review status: criteria provided, single submitter. Criteria: CeGaT Center For Human Genetics Tuebingen Variant Classification Criteria Version 2. Collection method: clinical testing. Allele origin: germline. Affected: yes. Observed: 1 variant allele.
Comment: TCF7: BP4, BP7